The following is an entry in ClinVar:

NM_001009944.3(PKD1):c.7136A>G (p.Tyr2379Cys)

Gene: PKD1 (polycystin 1, transient receptor potential channel interacting; minus strand). Cytogenetic location: 16p13.3.
Variant type: single nucleotide variant.
Coding change: c.7136A>G on transcript NM_001009944.3 (MANE Select); coding-DNA position 7136, A replaced by G.
Protein change: p.Tyr2379Cys; replaces tyrosine 2379 with cysteine.
Molecular consequence: missense variant.
Genome position (GRCh38, 1-based): chr16:2,106,878, T>C on the plus strand (A>G on the coding strand, the complement: PKD1 is on the minus strand). VCF-style: chr16-2106878-T-C. GRCh37 (hg19) VCF-style: chr16-2156879-T-C.
Other names: c.7136A>G, p.Tyr2379Cys (NM_000296.4); short protein forms Y2379C.
Identifiers: ClinVar variation 3896691 (VCV003896691.2).
Genomic context (GRCh38, chr16:2,106,878, plus strand): 5'-CCGCTGCTGCAATTGAGGCAGCGGCCCTCCAAGTACACGTAGGAGCTGCGGCTCACTTCG[T>C]ACACGGCCTGTGCCTTGCAGGACACACACTCCAAGGACACAATGGGCACCCGGCCACTCC-3'
Protein context (NP_001009944.3, residues 2369-2389): ECVSCKAQAV[Tyr2379Cys]EVSRSSYVYL

ClinVar aggregate classification (germline): Pathogenic (1 of 4 stars; one submission).

Conditions:
Polycystic kidney disease, adult type (PKD1). Also called: POLYCYSTIC KIDNEY DISEASE 1 WITH OR WITHOUT POLYCYSTIC LIVER DISEASE; POLYCYSTIC KIDNEY DISEASE, ADULT, TYPE I; Polycystic Kidney Disease 1, Autosomal Dominant; Polycystic kidney disease 1; Polycystic kidney disease 1, severe; Polycystic Kidney, Autosomal Dominant. Identifiers: MedGen C3149841, MONDO:0008263, OMIM 173900.

Submission:

Women's Health and Genetics/Laboratory Corporation of America, LabCorp
Classification: Pathogenic for Polycystic kidney disease, adult type. Last evaluated: 2025-04-22. Review status: criteria provided, single submitter. Criteria: LabCorp Variant Classification Summary - May 2015. Collection method: clinical testing. Allele origin: germline.
Comment: Variant summary: PKD1 c.7136A>G (p.Tyr2379Cys) results in a non-conservative amino acid change in the encoded protein sequence. Four of five in-silico tools predict a damaging effect of the variant on protein function. The variant was absent in 208358 control chromosomes (gnomAD). c.7136A>G has been observed in multiple individuals affected with Polycystic Kidney Disease 1 (e.g., Perrichot_2000, Audrezet_2012). These data indicate that the variant is very likely to be associated with disease. The following publications have been ascertained in the context of this evaluation (PMID: 22508176, 10854095, 23431072). No submitters have cited clinical-significance assessments for this variant to ClinVar. Based on the evidence outlined above, the variant was classified as pathogenic.

Literature cited by the submitters: PubMed 23431072; PubMed 22508176; PubMed 10854095.